The following is an entry in ClinVar:

ClinVar aggregate classification (germline): Uncertain significance (1 of 4 stars; one submission).

Conditions:
Kleefstra syndrome 1 (KLEFS1). Identifiers: Orphanet 261494, MedGen C0795833, MONDO:0027407, OMIM 610253.

Submission:

Labcorp Genetics (formerly Invitae), Labcorp
Classification: Uncertain significance for Kleefstra syndrome 1. Last evaluated: 2025-02-12. Review status: criteria provided, single submitter. Criteria: Invitae Variant Classification Sherloc (09022015). Collection method: clinical testing. Allele origin: germline.
Comment: This sequence change falls in intron 13 of the EHMT1 gene. It does not directly change the encoded amino acid sequence of the EHMT1 protein. It affects a nucleotide within the consensus splice site. This variant is not present in population databases (gnomAD no frequency). This variant has not been reported in the literature in individuals affected with EHMT1-related conditions. Variants that disrupt the consensus splice site are a relatively common cause of aberrant splicing (PMID: 17576681, 9536098). Algorithms developed to predict the effect of sequence changes on RNA splicing suggest that this variant is not likely to affect RNA splicing. In summary, the available evidence is currently insufficient to determine the role of this variant in disease. Therefore, it has been classified as a Variant of Uncertain Significance.

Literature cited by the submitters: PubMed 17576681; PubMed 9536098.

NM_024757.5(EHMT1):c.2192+6A>G

Gene: EHMT1 (euchromatic histone lysine methyltransferase 1; plus strand). Cytogenetic location: 9q34.3.
Variant type: single nucleotide variant.
Coding change: c.2192+6A>G on transcript NM_024757.5 (MANE Select); 6 bases into the intron after coding-DNA position 2192, A replaced by G.
Molecular consequence: intron variant.
Genome position (GRCh38, 1-based): chr9:137,778,061, A>G. VCF-style: chr9-137778061-A-G. GRCh37 (hg19) VCF-style: chr9-140672513-A-G.
Other names: c.2171+6A>G (NM_001354263.2); c.2099+6A>G (NM_001354259.2); c.2192+6A>G (NM_001145527.2).
Identifiers: ClinVar variation 4712907 (VCV004712907.1).
Genomic context (GRCh38, chr9:137,778,061, plus strand): 5'-AGGGACCAGGGAAGGAAACCTTGGAGAGCGCTCTCATCGCCCTCGACTCGGAAAAGTAAG[A>G]CCTGACATGTGATTTCAGAGATGTCTCAGAGCCTGTTTTAATCTGCACCCCGCGTTTTTC-3'